The following is an entry in ClinVar:

NM_170682.4(P2RX2):c.120C>G (p.Arg40=)

Gene: P2RX2 (purinergic receptor P2X 2; plus strand). Cytogenetic location: 12q24.33.
Variant type: single nucleotide variant.
Coding change: c.120C>G on transcript NM_170682.4 (MANE Select); coding-DNA position 120, C replaced by G.
Protein change: p.Arg40=; no amino-acid change (arginine 40 retained).
Molecular consequence: synonymous variant. On other transcripts: intron variant (2).
Genome position (GRCh38, 1-based): chr12:132,618,936, C>G. VCF-style: chr12-132618936-C-G. GRCh37 (hg19) VCF-style: chr12-133195522-C-G.
Other names: c.120C>G, p.Arg40= (NM_170683.4, NM_174873.3, NM_001282164.2 and 2 more transcripts); c.105+15C>G (NM_012226.5, NM_174872.3).
Identifiers: ClinVar variation 4873918 (VCV004873918.2).

ClinVar aggregate classification (germline): Likely benign (1 of 4 stars; one submission).

gnomAD v4.1: 4 of 1,327,186 alleles (0.0003%); highest among the groups gnomAD compares: Non-Finnish European, 0.00039%; no homozygotes.

Submission:

CeGaT Center for Human Genetics Tuebingen
Classification: Likely benign. Last evaluated: 2026-06-01. Review status: criteria provided, single submitter. Criteria: CeGaT Center For Human Genetics Tuebingen Variant Classification Criteria Version 2. Collection method: clinical testing. Allele origin: germline. Affected: yes. Observed: 1 variant allele.
Comment: P2RX2: BP4, BP7